The following is an entry in ClinVar:

NM_020975.6(RET):c.1639G>T (p.Asp547Tyr)

Gene: RET (ret proto-oncogene; plus strand). Cytogenetic location: 10q11.21.
Variant type: single nucleotide variant.
Coding change: c.1639G>T on transcript NM_020975.6 (MANE Select); coding-DNA position 1639, G replaced by T.
Protein change: p.Asp547Tyr; replaces aspartic acid 547 with tyrosine.
Molecular consequence: missense variant.
Genome position (GRCh38, 1-based): chr10:43,112,215, G>T. VCF-style: chr10-43112215-G-T. GRCh37 (hg19) VCF-style: chr10-43607663-G-T.
Other names: c.1639G>T, p.Asp547Tyr (NM_000323.2, NM_001406743.1, NM_001406744.1 and 6 more transcripts); c.877G>T, p.Asp293Tyr (NM_001355216.2); c.1510G>T, p.Asp504Tyr (NM_001406761.1, NM_001406762.1, NM_001406764.1 and 1 more transcripts); c.1351G>T, p.Asp451Tyr (NM_001406766.1, NM_001406767.1, NM_001406770.1); c.1243G>T, p.Asp415Tyr (NM_001406769.1, NM_001406772.1); c.1201G>T, p.Asp401Tyr (NM_001406771.1, NM_001406773.1); c.1114G>T, p.Asp372Tyr (NM_001406774.1); c.913G>T, p.Asp305Tyr (NM_001406775.1, NM_001406776.1, NM_001406777.1 and 1 more transcripts); and 5 more; short protein forms D248Y, D415Y, D152Y, D293Y, D305Y, D451Y, D401Y, D205Y.
Identifiers: ClinVar variation 1776994 (VCV001776994.2), dbSNP rs1837955355, ClinGen allele CA376550865.

ClinVar aggregate classification (germline): Uncertain significance (1 of 4 stars; one submission).

Conditions:
Hereditary cancer-predisposing syndrome. Also called: Neoplastic Syndromes, Hereditary; Tumor predisposition; Hereditary Cancer Syndrome; Hereditary neoplastic syndrome. Identifiers: Orphanet 140162, MedGen C0027672, MeSH D009386, MONDO:0015356.

Submission:

Ambry Genetics
Classification: Uncertain significance for Hereditary cancer-predisposing syndrome. Last evaluated: 2022-06-07. Review status: criteria provided, single submitter. Criteria: Ambry Variant Classification Scheme 2023. Collection method: clinical testing. Allele origin: germline.
Comment: The p.D547Y variant (also known as c.1639G>T), located in coding exon 8 of the RET gene, results from a G to T substitution at nucleotide position 1639. The aspartic acid at codon 547 is replaced by tyrosine, an amino acid with highly dissimilar properties. This amino acid position is conserved. In addition, the in silico prediction for this alteration is inconclusive. Since supporting evidence is limited at this time, the clinical significance of this alteration remains unclear.